The following is an entry in ClinVar:

NM_033305.3(VPS13A):c.1882C>T (p.Arg628Cys)

Gene: VPS13A (vacuolar protein sorting 13 homolog A; plus strand). Cytogenetic location: 9q21.2.
Variant type: single nucleotide variant.
Coding change: c.1882C>T on transcript NM_033305.3 (MANE Select); coding-DNA position 1882, C replaced by T.
Protein change: p.Arg628Cys; replaces arginine 628 with cysteine.
Molecular consequence: missense variant.
Genome position (GRCh38, 1-based): chr9:77,238,368, C>T. VCF-style: chr9-77238368-C-T. GRCh37 (hg19) VCF-style: chr9-79853284-C-T.
Other names: c.1882C>T, p.Arg628Cys (NM_001018037.2, NM_001018038.3, NM_015186.4); short protein forms R628C.
Identifiers: ClinVar variation 2195906 (VCV002195906.1), dbSNP rs780834260, ClinGen allele CA5091794.

ClinVar aggregate classification (germline): Uncertain significance (1 of 4 stars; one submission).

Allele frequency attached by ClinVar (database versions not stated): ExAC 0.00001; gnomAD 0.00001; TOPMed 0.00002; gnomAD exomes 0.00003.
gnomAD v4.1: 40 of 1,613,448 alleles (0.0025%); highest among the groups gnomAD compares: East Asian, 0.0045%; no homozygotes.

Submission:

Labcorp Genetics (formerly Invitae), Labcorp
Classification: Uncertain significance. Last evaluated: 2022-08-02. Review status: criteria provided, single submitter. Criteria: Invitae Variant Classification Sherloc (09022015). Collection method: clinical testing. Allele origin: germline.
Comment: This sequence change replaces arginine, which is basic and polar, with cysteine, which is neutral and slightly polar, at codon 628 of the VPS13A protein (p.Arg628Cys). This variant is present in population databases (rs780834260, gnomAD 0.006%). This variant has not been reported in the literature in individuals affected with VPS13A-related conditions. Algorithms developed to predict the effect of missense changes on protein structure and function are either unavailable or do not agree on the potential impact of this missense change (SIFT: "Deleterious"; PolyPhen-2: "Probably Damaging"; Align-GVGD: "Class C0"). In summary, the available evidence is currently insufficient to determine the role of this variant in disease. Therefore, it has been classified as a Variant of Uncertain Significance.